The following is an entry in ClinVar:

ClinVar aggregate classification (germline): Uncertain significance. Review status: criteria provided, multiple submitters, no conflicts (2 of 4 stars). 2 submissions from 2 submitters: Uncertain significance (2). Last evaluated 2025-03-23.

Conditions:
Early Myoclonic Encephalopathy. Identifiers: MedGen C0270855.

Allele frequency attached by ClinVar (database versions not stated): TOPMed 0.00002; gnomAD exomes 0.00002; gnomAD 0.00001; ExAC 0.00001.
gnomAD v4.1: 36 of 1,613,954 alleles (0.0022%); highest among the groups gnomAD compares: Admixed American, 0.0033%; no homozygotes.

Submissions (2):

Labcorp Genetics (formerly Invitae), Labcorp
Classification: Uncertain significance for Early Myoclonic Encephalopathy. Last evaluated: 2025-03-23. Review status: criteria provided, single submitter. Criteria: Invitae Variant Classification Sherloc (09022015). Collection method: clinical testing. Allele origin: germline.
Comment: This sequence change replaces phenylalanine, which is neutral and non-polar, with cysteine, which is neutral and slightly polar, at codon 1035 of the JMJD1C protein (p.Phe1035Cys). This variant is present in population databases (rs756475530, gnomAD 0.003%). This variant has not been reported in the literature in individuals affected with JMJD1C-related conditions. ClinVar contains an entry for this variant (Variation ID: 2048035). Invitae Evidence Modeling of protein sequence and biophysical properties (such as structural, functional, and spatial information, amino acid conservation, physicochemical variation, residue mobility, and thermodynamic stability) indicates that this missense variant is expected to disrupt JMJD1C protein function with a positive predictive value of 80%. In summary, the available evidence is currently insufficient to determine the role of this variant in disease. Therefore, it has been classified as a Variant of Uncertain Significance.

Ambry Genetics
Classification: Uncertain significance. Last evaluated: 2024-03-18. Review status: criteria provided, single submitter. Criteria: Ambry Variant Classification Scheme 2023. Collection method: clinical testing. Allele origin: germline.

NM_032776.3(JMJD1C):c.3104T>G (p.Phe1035Cys)

Gene: JMJD1C (jumonji domain containing 1C; minus strand). Cytogenetic location: 10q21.3.
Variant type: single nucleotide variant.
Coding change: c.3104T>G on transcript NM_032776.3 (MANE Select); coding-DNA position 3104, T replaced by G.
Protein change: p.Phe1035Cys; replaces phenylalanine 1035 with cysteine.
Molecular consequence: missense variant. On other transcripts: non-coding transcript variant (1).
Genome position (GRCh38, 1-based): chr10:63,208,565, A>C on the plus strand (T>G on the coding strand, the complement: JMJD1C is on the minus strand). VCF-style: chr10-63208565-A-C. GRCh37 (hg19) VCF-style: chr10-64968325-A-C.
Other names: c.3104T>G (NM_032776.1); c.2558T>G, p.Phe853Cys (NM_001282948.2, NM_001318154.2); c.2240T>G, p.Phe747Cys (NM_001318153.2); c.2990T>G, p.Phe997Cys (NM_001322252.2); c.2447T>G, p.Phe816Cys (NM_001322254.2, NM_001322258.2); short protein forms F1035C, F816C, F747C, F853C, F997C.
Identifiers: ClinVar variation 2048035 (VCV002048035.5), dbSNP rs756475530, ClinGen allele CA5518488.
Genomic context (GRCh38, chr10:63,208,565, plus strand): 5'-GATGATGCCACTCTGGAATAATTCTCTCTCTCACCCTCAAGTCCCTTGATTTTAGTTGTA[A>C]AGGGAGCAACATCAATACTTTCTTGAAGAATTCGACGGTGTTCCTCTTTGTATTTGTTTA-3'
Protein context (NP_116165.1, residues 1025-1045): ILQESIDVAP[Phe1035Cys]TTKIKGLEGE